The following is an entry in ClinVar:

NM_007294.4(BRCA1):c.5281T>A (p.Phe1761Ile)

Gene: BRCA1 (BRCA1 DNA repair associated; minus strand). Cytogenetic location: 17q21.31.
Variant type: single nucleotide variant.
Coding change: c.5281T>A on transcript NM_007294.4 (MANE Select); coding-DNA position 5281, T replaced by A.
Protein change: p.Phe1761Ile; replaces phenylalanine 1761 with isoleucine.
Molecular consequence: missense variant. On other transcripts: non-coding transcript variant (1).
Genome position (GRCh38, 1-based): chr17:43,051,114, A>T on the plus strand (T>A on the coding strand, the complement: BRCA1 is on the minus strand). VCF-style: chr17-43051114-A-T. GRCh37 (hg19) VCF-style: chr17-41203131-A-T.
Other names: c.5068T>A, p.Phe1690Ile (NM_001407571.1, NM_001407894.1, NM_001407908.1 and 12 more transcripts); c.5347T>A, p.Phe1783Ile (NM_001407581.1, NM_001407582.1); c.5344T>A, p.Phe1782Ile (NM_001407583.1, NM_001407585.1, NM_001407587.1 and 1 more transcripts); c.5341T>A, p.Phe1781Ile (NM_001407590.1, NM_001407591.1); c.5281T>A, p.Phe1761Ile (NM_001407593.1, NM_001407594.1, NM_001407596.1 and 6 more transcripts); c.5278T>A, p.Phe1760Ile (NM_001407614.1, NM_001407615.1, NM_001407616.1 and 17 more transcripts); c.5275T>A, p.Phe1759Ile (NM_001407633.1, NM_001407634.1, NM_001407635.1 and 14 more transcripts); c.5203T>A, p.Phe1735Ile (NM_001407655.1, NM_001407652.1, NM_001407653.1 and 1 more transcripts); and 72 more; short protein forms F1714I, F1761I, F657I, F1782I, F1692I, F1693I, F1694I, F1717I.
Identifiers: ClinVar variation 865265 (VCV000865265.3), dbSNP rs1567760717, ClinGen allele CA10590984.

Conditions:
Breast-ovarian cancer, familial, susceptibility to, 1 (BROVCA1). Also called: BRCA1 Hereditary Breast and Ovarian Cancer; OVARIAN CANCER, SUSCEPTIBILITY TO. Identifiers: Orphanet 145, MedGen C2676676, MONDO:0011450, OMIM 604370. Disease mechanism: loss of function.

Submission:

Brotman Baty Institute, University of Washington
No classification provided (evidence only). Condition: Breast-ovarian cancer, familial 1. Review status: no classification provided. Collection method: in vitro. Allele origin: not applicable. Functional consequence: functionally_abnormal.
ClinVar note: "not provided" was previously submitted as the classification for the variant. However, the classification appeared to be based only on an observation of functional data so it was converted to no classification on 2025-07-30.